The following is an entry in ClinVar:

ClinVar aggregate classification (germline): Uncertain significance (1 of 4 stars; one submission).

Conditions:
Inborn genetic diseases. Identifiers: MedGen C0950123, MeSH D030342.

gnomAD v4.1: 1 of 1,558,110 alleles (0.000064%); highest among the groups gnomAD compares: Admixed American, 0.002%; no homozygotes.

Submission:

Ambry Genetics
Classification: Uncertain significance for Inborn genetic diseases. Last evaluated: 2026-07-08. Review status: criteria provided, single submitter. Criteria: Ambry Variant Classification Scheme 2023. Collection method: clinical testing. Allele origin: germline.
Comment: The c.925C>T (p.P309S) alteration is located in exon 10 (coding exon 10) of the SMARCC2 gene. This alteration results from a C to T substitution at nucleotide position 925, causing the proline (P) at amino acid position 309 to be replaced by a serine (S). Based on data from gnomAD, the T allele has an overall frequency of <0.001% (0/202708) total alleles studied. The highest observed frequency was <0.001% (/) of alleles. Based on insufficient or conflicting evidence, the clinical significance of this alteration remains unclear.

NM_001330288.2(SMARCC2):c.925C>T (p.Pro309Ser)

Gene: SMARCC2 (SWI/SNF related BAF chromatin remodeling complex subunit C2; minus strand). Cytogenetic location: 12q13.2.
Variant type: single nucleotide variant.
Coding change: c.925C>T on transcript NM_001330288.2 (MANE Select); coding-DNA position 925, C replaced by T.
Protein change: p.Pro309Ser; replaces proline 309 with serine.
Molecular consequence: missense variant.
Genome position (GRCh38, 1-based): chr12:56,181,513, G>A on the plus strand (C>T on the coding strand, the complement: SMARCC2 is on the minus strand). VCF-style: chr12-56181513-G-A. GRCh37 (hg19) VCF-style: chr12-56575297-G-A.
Other names: c.925C>T, p.Pro309Ser (NM_001130420.3, NM_003075.5, NM_139067.4); short protein forms P309S.
Identifiers: ClinVar variation 3320833 (VCV003320833.2).